The following is an entry in ClinVar:

NM_032999.4(GTF2I):c.30C>T (p.Pro10=)

Genes: GTF2I (general transcription factor IIi; plus strand), GTF2I-AS1 (GTF2I antisense RNA 1; minus strand). Cytogenetic location: 7q11.23.
Variant type: single nucleotide variant.
Coding change: c.30C>T on transcript NM_032999.4 (MANE Select); coding-DNA position 30, C replaced by T.
Protein change: p.Pro10=; no amino-acid change (proline 10 retained).
Molecular consequence: synonymous variant. On other transcripts: non-coding transcript variant (1).
Genome position (GRCh38, 1-based): chr7:74,689,158, C>T. VCF-style: chr7-74689158-C-T. GRCh37 (hg19) VCF-style: chr7-74103492-C-T.
Other names: c.30C>T, p.Pro10= (NM_001163636.3, NM_001280800.2, NM_001518.5 and 2 more transcripts).
Identifiers: ClinVar variation 4821955 (VCV004821955.4).

ClinVar aggregate classification (germline): Likely benign (1 of 4 stars; one submission).

gnomAD v4.1: 292 of 1,612,576 alleles (0.018%); highest among the groups gnomAD compares: South Asian, 0.023%; 1 homozygote.

Submission:

CeGaT Center for Human Genetics Tuebingen
Classification: Likely benign. Last evaluated: 2026-02-01. Review status: criteria provided, single submitter. Criteria: CeGaT Center For Human Genetics Tuebingen Variant Classification Criteria Version 2. Collection method: clinical testing. Allele origin: germline. Affected: yes. Observed: 2 variant alleles.
Comment: GTF2I: BP4, BP7